The following is an entry in ClinVar:

ClinVar aggregate classification (germline): Conflicting classifications of pathogenicity. Review status: criteria provided, conflicting classifications (1 of 4 stars). 11 submissions from 10 submitters: Uncertain significance (1); Benign (9); Likely benign (1). Last evaluated 2026-01-16.

Conditions:
Waardenburg syndrome. Also called: Waardenburg's syndrome. Identifiers: Orphanet 3440, MedGen C3266898, MONDO:0018094.
Congenital diaphragmatic hernia. Also called: DIH; Congenital diaphragmatic defect; Unilateral agenesis of diaphragm; Agenesis of hemidiaphragm. Identifiers: Orphanet 2140, MedGen C0235833, MeSH D065630, MONDO:0005711, HP:0000776.
Craniofacial-deafness-hand syndrome (CDHS). Identifiers: Orphanet 1529, MedGen C1852510, MONDO:0007395, OMIM 122880.
Waardenburg syndrome type 1 (WS1). Also called: Waardenburg Syndrome Type I; WAARDENBURG SYNDROME WITH DYSTOPIA CANTHORUM. Identifiers: Orphanet 894, MedGen C1847800, MONDO:0008670, OMIM 193500.

Allele frequency attached by ClinVar (database versions not stated): 1000 Genomes Project 30x 0.01249; 1000 Genomes Project 0.01318; TOPMed 0.02306; gnomAD 0.02535 and 0.02573; ExAC 0.02665; ESP Exome Variant Server 0.02783.
gnomAD v4.1: 57,543 of 1,613,850 alleles (3.6%); highest among the groups gnomAD compares: Non-Finnish European, 4.2%; 1,249 homozygotes.

Submissions (11):

Labcorp Genetics (formerly Invitae), Labcorp
Classification: Benign. Last evaluated: 2026-01-16. Review status: criteria provided, single submitter. Criteria: Invitae Variant Classification Sherloc (09022015). Collection method: clinical testing. Allele origin: germline.

Blueprint Genetics
Classification: Benign. Last evaluated: 2024-11-26. Review status: criteria provided, single submitter. Criteria: ACMG Guidelines, 2015. Collection method: clinical testing. Allele origin: germline.

Mayo Clinic Laboratories, Mayo Clinic
Classification: Benign. Last evaluated: 2021-07-02. Review status: criteria provided, single submitter. Criteria: ACMG Guidelines, 2015. Collection method: clinical testing. Allele origin: germline. Observed: 8 variant alleles.

Athena Diagnostics
Classification: Benign. Last evaluated: 2018-09-20. Review status: criteria provided, single submitter. Criteria: Athena Diagnostics Criteria. Collection method: clinical testing. Allele origin: germline.

Illumina Laboratory Services, Illumina
Classification: Benign for Waardenburg syndrome. Last evaluated: 2018-01-13. Review status: criteria provided, single submitter. Criteria: ICSL Variant Classification Criteria 13 December 2019. Collection method: clinical testing. Allele origin: germline.
Comment: This variant was observed in the ICSL laboratory as part of a predisposition screen in an ostensibly healthy population. It had not been previously curated by ICSL or reported in the Human Gene Mutation Database (HGMD: prior to June 1st, 2018), and was therefore a candidate for classification through an automated scoring system. Utilizing variant allele frequency, disease prevalence and penetrance estimates, and inheritance mode, an automated score was calculated to assess if this variant is too frequent to cause the disease. Based on the score and internal cut-off values, a variant classified as benign is not then subjected to further curation. The score for this variant resulted in a classification of benign for this disease.

Illumina Laboratory Services, Illumina
Classification: Benign for Craniofacial-deafness-hand syndrome. Last evaluated: 2018-01-13. Review status: criteria provided, single submitter. Criteria: ICSL Variant Classification Criteria 13 December 2019. Collection method: clinical testing. Allele origin: germline.
Comment: the same text as in the submission from Illumina Laboratory Services, Illumina above.

GeneDx
Classification: Benign. Last evaluated: 2017-09-08. Review status: criteria provided, single submitter. Criteria: GeneDx Variant Classification (06012015). Collection method: clinical testing. Allele origin: germline. Affected: yes.
Comment: This variant is considered likely benign or benign based on one or more of the following criteria: it is a conservative change, it occurs at a poorly conserved position in the protein, it is predicted to be benign by multiple in silico algorithms, and/or has population frequency not consistent with disease.

Laboratory of Human Genetics, Universidade de São Paulo
Classification: Likely benign for Waardenburg syndrome type 1. Last evaluated: 2017-03-01. Review status: criteria provided, single submitter. Criteria: ACMG Guidelines, 2015. Collection method: research. Allele origin: inherited. Inheritance: Autosomal dominant inheritance. Affected: yes.

Lupski Lab, Baylor-Hopkins CMG, Baylor College of Medicine
Classification: Uncertain significance for Diaphragmatic hernia 1. Last evaluated: 2015-03-03. Review status: criteria provided, single submitter. Criteria: Beck et al. (Am J Med Genet A 2015). Collection method: research. Allele origin: germline. Inheritance: Autosomal dominant inheritance. Affected: yes and no. Observed: 3 variant alleles, 3 heterozygotes.
Comment: It is unclear whether these changes, alone or in aggregate, are contributing to the development of CDH in this family.

Laboratory for Molecular Medicine, Mass General Brigham Personalized Medicine
Classification: Benign. Last evaluated: 2014-11-24. Review status: criteria provided, single submitter. Criteria: LMM Criteria. Collection method: clinical testing. Allele origin: germline. Observed: 67 variant alleles.
Comment: Thr314Lys in exon 6 of PAX3: This variant is not expected to have clinical signi ficance because it has been identified in 3.8% (326/8600) of European American c hromosomes from a broad population by the NHLBI Exome Sequencing Project (dbSNP rs2234675).

PreventionGenetics, part of Exact Sciences
Classification: Benign. Review status: criteria provided, single submitter. Criteria: ACMG Guidelines, 2015. Collection method: clinical testing. Allele origin: germline.

Literature cited by the submitters: PubMed 25736269 (cited by Athena Diagnostics); PubMed 9856573 (cited by Athena Diagnostics); PubMed 29407415 (cited by Athena Diagnostics and Laboratory of Human Genetics, Universidade de São Paulo); PubMed 8863157 (cited by Athena Diagnostics); PubMed 9584079 (cited by Athena Diagnostics); PubMed 8589691 (cited by Athena Diagnostics).

NM_181458.4(PAX3):c.944C>A (p.Thr315Lys)

Gene: PAX3 (paired box 3; minus strand). Cytogenetic location: 2q36.1.
Variant type: single nucleotide variant.
Coding change: c.944C>A on transcript NM_181458.4 (MANE Select); coding-DNA position 944, C replaced by A.
Protein change: p.Thr315Lys; replaces threonine 315 with lysine.
Molecular consequence: missense variant.
Genome position (GRCh38, 1-based): chr2:222,221,236, G>T on the plus strand (C>A on the coding strand, the complement: PAX3 is on the minus strand). VCF-style: chr2-222221236-G-T. GRCh37 (hg19) VCF-style: chr2-223085955-G-T.
Other names: c.941C>A, p.Thr314Lys (NM_001127366.3); c.944C>A, p.Thr315Lys (NM_181457.4, NM_181459.4, NM_181460.4 and 1 more transcripts); short protein forms T315K, T314K.
Identifiers: ClinVar variation 218940 (VCV000218940.19), dbSNP rs2234675, ClinGen allele CA339658.
Genomic context (GRCh38, chr2:222,221,236, plus strand): 5'-ATCGCCTGGAAGTTACTTTCTAATCTCCTTGACTCTTCCTCGGTACCTTGTGGAATAGAT[G>T]TGGGCTGGTAAGAGGTCTCCGACAGCTGGTACGTTGGCAAGGTCGGCATGGCAGTGGGAG-3'
Protein context (NP_852123.1, residues 305-325): YQLSETSYQP[Thr315Lys]SIPQAVSDPS